The following is an entry in ClinVar:

ClinVar aggregate classification (germline): Uncertain significance (1 of 4 stars; one submission).

Conditions:
Autosomal dominant nonsyndromic hearing loss 1. Also called: DEAFNESS, AUTOSOMAL DOMINANT 1, WITH OR WITHOUT THROMBOCYTOPENIA; KONIGSMARK SYNDROME. Identifiers: Orphanet 90635, MedGen C1852282, MONDO:0007424, OMIM 124900.
Progressive microcephaly-seizures-cortical blindness-developmental delay syndrome. Also called: Seizures, cortical blindness, and microcephaly syndrome. Identifiers: Orphanet 477814, MedGen C5567650, MONDO:0014714, OMIM 616632.

Allele frequency attached by ClinVar (database versions not stated): gnomAD exomes 0.00001; ExAC 0.00001; 1000 Genomes Project 30x 0.00016; 1000 Genomes Project 0.00020; gnomAD 0.00001.
gnomAD v4.1: 4 of 1,614,258 alleles (0.00025%); highest among the groups gnomAD compares: South Asian, 0.0044%; no homozygotes.

Submission:

Labcorp Genetics (formerly Invitae), Labcorp
Classification: Uncertain significance for Progressive microcephaly-seizures-cortical blindness-developmental delay syndrome; Autosomal dominant nonsyndromic hearing loss 1. Last evaluated: 2024-03-24. Review status: criteria provided, single submitter. Criteria: Invitae Variant Classification Sherloc (09022015). Collection method: clinical testing. Allele origin: germline.
Comment: This sequence change replaces threonine, which is neutral and polar, with isoleucine, which is neutral and non-polar, at codon 1256 of the DIAPH1 protein (p.Thr1256Ile). This variant is present in population databases (rs546064158, gnomAD 0.006%). This variant has not been reported in the literature in individuals affected with DIAPH1-related conditions. ClinVar contains an entry for this variant (Variation ID: 655958). An algorithm developed to predict the effect of missense changes on protein structure and function (PolyPhen-2) suggests that this variant is likely to be tolerated. In summary, the available evidence is currently insufficient to determine the role of this variant in disease. Therefore, it has been classified as a Variant of Uncertain Significance.

NM_005219.5(DIAPH1):c.3767C>T (p.Thr1256Ile)

Gene: DIAPH1 (diaphanous related formin 1; minus strand). Cytogenetic location: 5q31.3.
Variant type: single nucleotide variant.
Coding change: c.3767C>T on transcript NM_005219.5 (MANE Select); coding-DNA position 3767, C replaced by T.
Protein change: p.Thr1256Ile; replaces threonine 1256 with isoleucine.
Molecular consequence: missense variant. On other transcripts: 3 prime UTR variant (1).
Genome position (GRCh38, 1-based): chr5:141,516,903, G>A on the plus strand (C>T on the coding strand, the complement: DIAPH1 is on the minus strand). VCF-style: chr5-141516903-G-A. GRCh37 (hg19) VCF-style: chr5-140896470-G-A.
Other names: c.3740C>T, p.Thr1247Ile (NM_001079812.3); c.*67C>T (NM_001314007.2); short protein forms T1247I, T1256I.
Identifiers: ClinVar variation 655958 (VCV000655958.9), dbSNP rs546064158, ClinGen allele CA3478663.